The following is an entry in ClinVar:

ClinVar aggregate classification (germline): Uncertain significance. Review status: criteria provided, multiple submitters, no conflicts (2 of 4 stars). 9 submissions from 7 submitters: Uncertain significance (9). Last evaluated 2026-02-12.

Conditions:
SPG11-related disorder. Also called: SPG11-related condition.
Inborn genetic diseases. Identifiers: MedGen C0950123, MeSH D030342.
Charcot-Marie-Tooth disease axonal type 2X. Also called: CHARCOT-MARIE-TOOTH DISEASE, AXONAL, AUTOSOMAL RECESSIVE, TYPE 2X; CHARCOT-MARIE-TOOTH NEUROPATHY, TYPE 2X. Identifiers: Orphanet 466775, MedGen C5569024, MONDO:0014726, OMIM 616668.
Amyotrophic lateral sclerosis type 5 (ALS5). Also called: AMYOTROPHIC LATERAL SCLEROSIS 5, JUVENILE. Identifiers: Orphanet 300605, MedGen C1865864, MONDO:0011196, OMIM 602099.
Hereditary spastic paraplegia 11. Also called: SPASTIC PARAPLEGIA, AUTOSOMAL RECESSIVE, COMPLICATED, WITH THIN CORPUS CALLOSUM; SPASTIC PARAPLEGIA, AUTOSOMAL RECESSIVE, WITH MENTAL IMPAIRMENT AND THIN CORPUS CALLOSUM; Spastic Paraplegia 11; Nakamura Osame syndrome; Autosomal recessive hereditary spastic paraplegia, mental impairment, and thin corpus callosum; Spastic paraplegia, mental retardation and thin corpus callosum. Identifiers: Orphanet 2822, MedGen C1858479, MONDO:0011445, OMIM 604360.

Allele frequency attached by ClinVar (database versions not stated): gnomAD 0.00003; TOPMed 0.00003; gnomAD exomes 0.00004; ExAC 0.00005.
gnomAD v4.1: 67 of 1,613,838 alleles (0.0042%); highest among the groups gnomAD compares: Non-Finnish European, 0.0055%; no homozygotes.

Submissions (9):

PreventionGenetics, part of Exact Sciences
Classification: Uncertain significance for SPG11-related condition. Last evaluated: 2026-02-12. Review status: criteria provided, single submitter. Criteria: ACMG Guidelines, 2015. Collection method: clinical testing. Allele origin: germline.
Comment: The SPG11 c.4972C>T variant is predicted to result in the amino acid substitution p.His1658Tyr. To our knowledge, this variant has not been reported in the literature. This variant is reported in 0.0079% of alleles in individuals of European (Non-Finnish) descent in gnomAD. At this time, the clinical significance of this variant is uncertain due to the absence of conclusive functional and genetic evidence.

Labcorp Genetics (formerly Invitae), Labcorp
Classification: Uncertain significance for Hereditary spastic paraplegia 11. Last evaluated: 2026-01-12. Review status: criteria provided, single submitter. Criteria: Invitae Variant Classification Sherloc (09022015). Collection method: clinical testing. Allele origin: germline.
Comment: This sequence change replaces histidine, which is basic and polar, with tyrosine, which is neutral and polar, at codon 1658 of the SPG11 protein (p.His1658Tyr). This variant is present in population databases (rs775877332, gnomAD 0.007%). This variant has not been reported in the literature in individuals affected with SPG11-related conditions. ClinVar contains an entry for this variant (Variation ID: 466535). Invitae Evidence Modeling of protein sequence and biophysical properties (such as structural, functional, and spatial information, amino acid conservation, physicochemical variation, residue mobility, and thermodynamic stability) indicates that this missense variant is not expected to disrupt SPG11 protein function with a negative predictive value of 80%. In summary, the available evidence is currently insufficient to determine the role of this variant in disease. Therefore, it has been classified as a Variant of Uncertain Significance.

Ambry Genetics
Classification: Uncertain significance for Inborn genetic diseases. Last evaluated: 2021-08-17. Review status: criteria provided, single submitter. Criteria: Ambry Variant Classification Scheme 2023. Collection method: clinical testing. Allele origin: germline.
Comment: The p.H1658Y variant (also known as c.4972C>T), located in coding exon 29 of the SPG11 gene, results from a C to T substitution at nucleotide position 4972. The histidine at codon 1658 is replaced by tyrosine, an amino acid with similar properties. This amino acid position is conserved. In addition, this alteration is predicted to be tolerated by in silico analysis. Since supporting evidence is limited at this time, the clinical significance of this alteration remains unclear.

Mayo Clinic Laboratories, Mayo Clinic
Classification: Uncertain significance. Last evaluated: 2021-05-14. Review status: criteria provided, single submitter. Criteria: ACMG Guidelines, 2015. Collection method: clinical testing. Allele origin: germline.

GeneDx
Classification: Uncertain significance. Last evaluated: 2019-07-12. Review status: criteria provided, single submitter. Criteria: GeneDx Variant Classification Process June 2021. Collection method: clinical testing. Allele origin: germline. Affected: yes.
Comment: Not observed at a significant frequency in large population cohorts (Lek et al., 2016); In silico analysis, which includes protein predictors and evolutionary conservation, supports that this variant does not alter protein structure/function; Has not been previously published as pathogenic or benign to our knowledge

CeGaT Center for Human Genetics Tuebingen
Classification: Uncertain significance. Last evaluated: 2016-06-01. Review status: criteria provided, single submitter. Criteria: CeGaT Center For Human Genetics Tuebingen Variant Classification Criteria Version 2. Collection method: clinical testing. Allele origin: germline. Affected: yes. Observed: 1 variant allele.

Genome-Nilou Lab
Classification: Uncertain significance for Amyotrophic lateral sclerosis type 5. Review status: criteria provided, single submitter. Criteria: ACMG Guidelines, 2015. Collection method: clinical testing. Allele origin: germline.

Genome-Nilou Lab
Classification: Uncertain significance for Charcot-Marie-Tooth disease axonal type 2X. Review status: criteria provided, single submitter. Criteria: ACMG Guidelines, 2015. Collection method: clinical testing. Allele origin: germline.

Genome-Nilou Lab
Classification: Uncertain significance for Hereditary spastic paraplegia 11. Review status: criteria provided, single submitter. Criteria: ACMG Guidelines, 2015. Collection method: clinical testing. Allele origin: germline.

NM_025137.4(SPG11):c.4972C>T (p.His1658Tyr)

Gene: SPG11 (SPG11 vesicle trafficking associated, spatacsin; minus strand). Cytogenetic location: 15q21.1.
Variant type: single nucleotide variant.
Coding change: c.4972C>T on transcript NM_025137.4 (MANE Select); coding-DNA position 4972, C replaced by T.
Protein change: p.His1658Tyr; replaces histidine 1658 with tyrosine.
Molecular consequence: missense variant.
Genome position (GRCh38, 1-based): chr15:44,585,785, G>A on the plus strand (C>T on the coding strand, the complement: SPG11 is on the minus strand). VCF-style: chr15-44585785-G-A. GRCh37 (hg19) VCF-style: chr15-44877983-G-A.
Other names: p.His1658Tyr; c.4972C>T, p.His1658Tyr (NM_001160227.2); short protein forms H1658Y.
Identifiers: ClinVar variation 466535 (VCV000466535.57), dbSNP rs775877332, ClinGen allele CA7534519.